The following is an entry in ClinVar:

ClinVar aggregate classification (germline): Uncertain significance (1 of 4 stars; one submission).

Conditions:
Neurofibromatosis, type 1 (NF1). Also called: Neurofibromatosis, type I; NEUROFIBROMATOSIS, TYPE I, SOMATIC; Peripheral type neurofibromatosis; VON RECKLINGHAUSEN DISEASE. Identifiers: Orphanet 636, MedGen C0027831, MONDO:0018975, OMIM 162200. Disease mechanism: loss of function.

Submission:

Labcorp Genetics (formerly Invitae), Labcorp
Classification: Uncertain significance for Neurofibromatosis, type 1. Last evaluated: 2016-11-19. Review status: criteria provided, single submitter. Criteria: Invitae Variant Classification Sherloc (09022015). Collection method: clinical testing. Allele origin: germline.
Comment: This sequence change replaces tyrosine with serine at codon 1763 of the NF1 protein (p.Tyr1763Ser). The tyrosine residue is moderately conserved and there is a large physicochemical difference between tyrosine and serine. Algorithms developed to predict the effect of missense changes on protein structure and function do not agree on the potential impact of this missense change (SIFT: "Tolerated"; PolyPhen-2: "Probably Damaging"; Align-GVGD: "Class C0"). This variant is not present in population databases (ExAC no frequency) and has not been reported in the literature in individuals with an NF1-related disease. In summary, this variant is a novel missense change with uncertain impact on protein function. It has been classified as a Variant of Uncertain Significance.

NM_001042492.3(NF1):c.5351A>C (p.Tyr1784Ser)

Gene: NF1 (neurofibromin 1; plus strand). Cytogenetic location: 17q11.2.
Variant type: single nucleotide variant.
Coding change: c.5351A>C on transcript NM_001042492.3 (MANE Select); coding-DNA position 5351, A replaced by C.
Protein change: p.Tyr1784Ser; replaces tyrosine 1784 with serine.
Molecular consequence: missense variant.
Genome position (GRCh38, 1-based): chr17:31,327,581, A>C. VCF-style: chr17-31327581-A-C. GRCh37 (hg19) VCF-style: chr17-29654599-A-C.
Other names: c.5288A>C, p.Tyr1763Ser (NM_000267.4); short protein forms Y1763S, Y1784S.
Identifiers: ClinVar variation 404469 (VCV000404469.5), dbSNP rs1060500280, ClinGen allele CA16615537.